The following is an entry in ClinVar:

ClinVar aggregate classification (germline): Uncertain significance. Review status: criteria provided, multiple submitters, no conflicts (2 of 4 stars). 2 submissions from 2 submitters: Uncertain significance (2). Last evaluated 2026-01-27.

Conditions:
Familial thoracic aortic aneurysm and aortic dissection (TAAD). Also called: Thoracic aortic aneurysms and dissections. Identifiers: Orphanet 91387, MedGen C4707243, MONDO:0019625.
Congenital contractural arachnodactyly (CCA). Also called: Arthrogryposis, distal, type 9; BEALS SYNDROME; Beals-Hecht syndrome. Identifiers: Orphanet 115, MedGen C0220668, MONDO:0007363, OMIM 121050.

gnomAD v4.1: 3 of 1,613,928 alleles (0.00019%); highest among the groups gnomAD compares: Admixed American, 0.0017%; no homozygotes.

Submissions (2):

Labcorp Genetics (formerly Invitae), Labcorp
Classification: Uncertain significance for Congenital contractural arachnodactyly. Last evaluated: 2026-01-27. Review status: criteria provided, single submitter. Criteria: Invitae Variant Classification Sherloc (09022015). Collection method: clinical testing. Allele origin: germline.
Comment: This sequence change replaces glycine, which is neutral and non-polar, with alanine, which is neutral and non-polar, at codon 678 of the FBN2 protein (p.Gly678Ala). This variant is present in population databases (rs765930896, gnomAD 0.003%). This variant has not been reported in the literature in individuals affected with FBN2-related conditions. ClinVar contains an entry for this variant (Variation ID: 4023440). Invitae Evidence Modeling of protein sequence and biophysical properties (such as structural, functional, and spatial information, amino acid conservation, physicochemical variation, residue mobility, and thermodynamic stability) indicates that this missense variant is expected to disrupt FBN2 protein function with a positive predictive value of 80%. In summary, the available evidence is currently insufficient to determine the role of this variant in disease. Therefore, it has been classified as a Variant of Uncertain Significance.

Ambry Genetics
Classification: Uncertain significance for Familial thoracic aortic aneurysm and aortic dissection. Last evaluated: 2025-04-09. Review status: criteria provided, single submitter. Criteria: Ambry Variant Classification Scheme 2023. Collection method: clinical testing. Allele origin: germline.
Comment: The p.G678A variant (also known as c.2033G>C), located in coding exon 15 of the FBN2 gene, results from a G to C substitution at nucleotide position 2033. The glycine at codon 678 is replaced by alanine, an amino acid with similar properties. This amino acid position is highly conserved in available vertebrate species. In addition, this alteration is predicted to be deleterious by in silico analysis. Based on the available evidence, the clinical significance of this variant remains unclear.

NM_001999.4(FBN2):c.2033G>C (p.Gly678Ala)

Gene: FBN2 (fibrillin 2; minus strand). Cytogenetic location: 5q23.3.
Variant type: single nucleotide variant.
Coding change: c.2033G>C on transcript NM_001999.4 (MANE Select); coding-DNA position 2033, G replaced by C.
Protein change: p.Gly678Ala; replaces glycine 678 with alanine.
Molecular consequence: missense variant.
Genome position (GRCh38, 1-based): chr5:128,374,690, C>G on the plus strand (G>C on the coding strand, the complement: FBN2 is on the minus strand). VCF-style: chr5-128374690-C-G. GRCh37 (hg19) VCF-style: chr5-127710383-C-G.
Other names: short protein forms G678A.
Identifiers: ClinVar variation 4023440 (VCV004023440.2).